The following is an entry in ClinVar:

ClinVar aggregate classification (germline): Uncertain significance (1 of 4 stars; one submission).

Submission:

Labcorp Genetics (formerly Invitae), Labcorp
Classification: Uncertain significance. Last evaluated: 2023-07-12. Review status: criteria provided, single submitter. Criteria: Invitae Variant Classification Sherloc (09022015). Collection method: clinical testing. Allele origin: germline.
Comment: An algorithm developed to predict the effect of missense changes on protein structure and function (PolyPhen-2) suggests that this variant is likely to be tolerated. In summary, the available evidence is currently insufficient to determine the role of this variant in disease. Therefore, it has been classified as a Variant of Uncertain Significance. This variant has not been reported in the literature in individuals affected with POLR1A-related conditions. This variant is not present in population databases (gnomAD no frequency). This sequence change replaces serine, which is neutral and polar, with tyrosine, which is neutral and polar, at codon 240 of the POLR1A protein (p.Ser240Tyr).

NM_015425.6(POLR1A):c.719C>A (p.Ser240Tyr)

Gene: POLR1A (RNA polymerase I subunit A; minus strand). Cytogenetic location: 2p11.2.
Variant type: single nucleotide variant.
Coding change: c.719C>A on transcript NM_015425.6 (MANE Select); coding-DNA position 719, C replaced by A.
Protein change: p.Ser240Tyr; replaces serine 240 with tyrosine.
Molecular consequence: missense variant.
Genome position (GRCh38, 1-based): chr2:86,088,577, G>T on the plus strand (C>A on the coding strand, the complement: POLR1A is on the minus strand). VCF-style: chr2-86088577-G-T. GRCh37 (hg19) VCF-style: chr2-86315700-G-T.
Other names: short protein forms S240Y.
Identifiers: ClinVar variation 2747239 (VCV002747239.3), dbSNP rs2466471552, ClinGen allele CA347555540.
Genomic context (GRCh38, chr2:86,088,577, plus strand): 5'-ACATCTGCTGGCCTCACATGGAGCTCCTCTCCAGACCCAGCCTGCTCACCCAGGGGCTCA[G>T]AGTCCTTCTGGCCAGCTGTCCTGTGCACCATGGCTGGAAACGTGATAGTCAACTTGCTGT-3'
Protein context (NP_056240.2, residues 230-250): MVHRTAGQKD[Ser240Tyr]EPLGIEEAQI